The following is an entry in ClinVar:

NM_001843.4(CNTN1):c.1295T>A (p.Val432Glu)

Gene: CNTN1 (contactin 1; plus strand). Cytogenetic location: 12q12.
Variant type: single nucleotide variant.
Coding change: c.1295T>A on transcript NM_001843.4 (MANE Select); coding-DNA position 1295, T replaced by A.
Protein change: p.Val432Glu; replaces valine 432 with glutamic acid.
Molecular consequence: missense variant.
Genome position (GRCh38, 1-based): chr12:40,939,401, T>A. VCF-style: chr12-40939401-T-A. GRCh37 (hg19) VCF-style: chr12-41333203-T-A.
Other names: c.1295T>A, p.Val432Glu (NM_001256063.2, NM_001256064.2); c.1262T>A, p.Val421Glu (NM_175038.2); short protein forms V432E, V421E.
Identifiers: ClinVar variation 2780513 (VCV002780513.3), dbSNP rs1488494288, ClinGen allele CA384424289.

ClinVar aggregate classification (germline): Uncertain significance (1 of 4 stars; one submission).

Conditions:
Compton-North congenital myopathy (CMYO12). Identifiers: Orphanet 210163, MedGen C2675527, MONDO:0012929, OMIM 612540.

gnomAD v4.1: 1 of 1,613,892 alleles (0.000062%); highest among the groups gnomAD compares: Non-Finnish European, 0.000085%; no homozygotes.

Submission:

Labcorp Genetics (formerly Invitae), Labcorp
Classification: Uncertain significance for Compton-North congenital myopathy. Last evaluated: 2024-01-25. Review status: criteria provided, single submitter. Criteria: Invitae Variant Classification Sherloc (09022015). Collection method: clinical testing. Allele origin: germline.
Comment: This sequence change replaces valine, which is neutral and non-polar, with glutamic acid, which is acidic and polar, at codon 432 of the CNTN1 protein (p.Val432Glu). This variant is present in population databases (no rsID available, gnomAD 0.0009%). This variant has not been reported in the literature in individuals affected with CNTN1-related conditions. Advanced modeling of protein sequence and biophysical properties (such as structural, functional, and spatial information, amino acid conservation, physicochemical variation, residue mobility, and thermodynamic stability) performed at Invitae indicates that this missense variant is not expected to disrupt CNTN1 protein function with a negative predictive value of 95%. In summary, the available evidence is currently insufficient to determine the role of this variant in disease. Therefore, it has been classified as a Variant of Uncertain Significance.